The following is an entry in ClinVar:

ClinVar aggregate classification (germline): Likely benign. Review status: criteria provided, single submitter (1 of 4 stars). 2 submissions from 2 submitters: Likely benign (1). 1 of the submissions does not count toward it. Last evaluated 2025-09-17.

Conditions:
FOXP1-related disorder. Also called: FOXP1-related condition.

Allele frequency attached by ClinVar (database versions not stated): ExAC 0.00002; gnomAD exomes 0.00002 and 0.00020; TOPMed 0.00008; gnomAD 0.00009.
gnomAD v4.1: 292 of 1,613,798 alleles (0.018%); highest among the groups gnomAD compares: Non-Finnish European, 0.024%; no homozygotes.

Submissions (2):

Labcorp Genetics (formerly Invitae), Labcorp
Classification: Likely benign. Last evaluated: 2025-09-17. Review status: criteria provided, single submitter. Criteria: Invitae Variant Classification Sherloc (09022015). Collection method: clinical testing. Allele origin: germline.

PreventionGenetics, part of Exact Sciences
Classification: Likely benign for FOXP1-related condition. Last evaluated: 2021-06-09. Review status: no assertion criteria provided. Collection method: clinical testing. Allele origin: germline. Not counted in ClinVar's aggregate classification.
Comment: This variant is classified as likely benign based on ACMG/AMP sequence variant interpretation guidelines (Richards et al. 2015 PMID: 25741868, with internal and published modifications).

NM_001349338.3(FOXP1):c.1531-6C>T

Gene: FOXP1 (forkhead box P1; minus strand). Cytogenetic location: 3p13.
Variant type: single nucleotide variant.
Coding change: c.1531-6C>T on transcript NM_001349338.3 (MANE Select); 6 bases into the intron before coding-DNA position 1531, C replaced by T.
Molecular consequence: intron variant.
Genome position (GRCh38, 1-based): chr3:70,972,682, G>A on the plus strand (C>T on the coding strand, the complement: FOXP1 is on the minus strand). VCF-style: chr3-70972682-G-A. GRCh37 (hg19) VCF-style: chr3-71021833-G-A.
Other names: c.1531-502C>T (NM_001244810.2); c.1531-6C>T (NM_032682.6, NM_001349340.3, NM_001244816.2 and 1 more transcripts); c.1528-6C>T (NM_001349341.3, NM_001244808.3); c.1303-6C>T (NM_001244812.3); c.1228-6C>T (NM_001349343.3, NM_001349337.2, NM_001370548.1 and 1 more transcripts); c.1231-6C>T (NM_001349342.3, NM_001244815.2, NM_001244813.3).
Identifiers: ClinVar variation 748113 (VCV000748113.10), dbSNP rs767129660, ClinGen allele CA2490926.